The following is an entry in ClinVar:

NM_144596.4(TTC8):c.1A>G (p.Met1Val)

Gene: TTC8 (tetratricopeptide repeat domain 8; plus strand). Cytogenetic location: 14q31.3.
Variant type: single nucleotide variant.
Coding change: c.1A>G on transcript NM_144596.4 (MANE Select); coding-DNA position 1, A replaced by G.
Protein change: p.Met1Val; changes the start codon (methionine 1).
Molecular consequence: missense variant, initiator codon variant. On other transcripts: 5 prime UTR variant (2), non-coding transcript variant (1).
Genome position (GRCh38, 1-based): chr14:88,824,708, A>G. VCF-style: chr14-88824708-A-G. GRCh37 (hg19) VCF-style: chr14-89291052-A-G.
Other names: c.1A>G (NM_144596.3); c.1A>G, p.Met1Val (NM_001288781.1, NM_001366535.2, NM_001366536.2 and 2 more transcripts); c.-562A>G (NM_001288782.1); c.-657A>G (NM_001288783.1); short protein forms M1V.
Identifiers: ClinVar variation 1053246 (VCV001053246.7), dbSNP rs747906724, ClinGen allele CA7302300.

ClinVar aggregate classification (germline): Uncertain significance. Review status: criteria provided, multiple submitters, no conflicts (2 of 4 stars). 4 submissions from 4 submitters: Uncertain significance (3). 1 of the submissions does not count toward it. Last evaluated 2024-04-19.

Conditions:
Bardet-Biedl syndrome (BBS). Identifiers: Orphanet 110, MedGen C0752166, MONDO:0015229.
TTC8-related disorder. Also called: TTC8-related condition.
Retinitis pigmentosa 51 (RP51). Identifiers: Orphanet 791, MedGen C3150715, MONDO:0013274, OMIM 613464.
Bardet-Biedl syndrome 8 (BBS8). Identifiers: Orphanet 110, MedGen C1859566, MONDO:0014436, OMIM 615985.

Submissions (4):

Blueprint Genetics
Classification: Uncertain significance. Last evaluated: 2024-04-19. Review status: criteria provided, single submitter. Criteria: ACMG Guidelines, 2015. Collection method: clinical testing. Allele origin: germline.

Fulgent Genetics
Classification: Uncertain significance for Retinitis pigmentosa 51; Bardet-Biedl syndrome 8. Last evaluated: 2024-02-27. Review status: criteria provided, single submitter. Criteria: ACMG Guidelines, 2015. Collection method: clinical testing. Allele origin: germline.

Labcorp Genetics (formerly Invitae), Labcorp
Classification: Uncertain significance for Bardet-Biedl syndrome. Last evaluated: 2022-04-17. Review status: criteria provided, single submitter. Criteria: Invitae Variant Classification Sherloc (09022015). Collection method: clinical testing. Allele origin: germline.
Comment: This sequence change affects the initiator methionine of the TTC8 mRNA. The next in-frame methionine is located at codon 5. This variant is present in population databases (rs747906724, gnomAD 0.02%). This variant has not been reported in the literature in individuals affected with TTC8-related conditions. ClinVar contains an entry for this variant (Variation ID: 1053246). Algorithms developed to predict the effect of sequence changes on RNA splicing suggest that this variant may create or strengthen a splice site. In summary, the available evidence is currently insufficient to determine the role of this variant in disease. Therefore, it has been classified as a Variant of Uncertain Significance.

PreventionGenetics, part of Exact Sciences
Classification: Uncertain significance for TTC8-related condition. Last evaluated: 2024-02-21. Review status: no assertion criteria provided. Collection method: clinical testing. Allele origin: germline. Not counted in ClinVar's aggregate classification.
Comment: The TTC8 c.1A>G variant is predicted to disrupt the translation initiation site (Start loss). To our knowledge, this variant has not been reported in the literature in patients with TTC8-related disorders. This variant is reported in 0.021% of alleles in individuals of Ashkenazi Jewish descent in gnomAD. Of note, an additional methionine residues resides four amino acids downstream. At this time, the clinical significance of this variant is uncertain due to the absence of conclusive functional and genetic evidence.